The following is an entry in ClinVar:

ClinVar aggregate classification (germline): Uncertain significance (1 of 4 stars; one submission).

Submission:

GeneDx
Classification: Uncertain significance. Last evaluated: 2024-06-19. Review status: criteria provided, single submitter. Criteria: GeneDx Variant Classification Process June 2021. Collection method: clinical testing. Allele origin: germline. Affected: yes.
Comment: Not observed at significant frequency in large population cohorts (gnomAD); In silico analysis supports that this missense variant has a deleterious effect on protein structure/function; Has not been previously published as pathogenic or benign to our knowledge

NM_001148.6(ANK2):c.2357A>C (p.Lys786Thr)

Gene: ANK2 (ankyrin 2; plus strand). Cytogenetic location: 4q26.
Variant type: single nucleotide variant.
Coding change: c.2357A>C on transcript NM_001148.6 (MANE Select); coding-DNA position 2357, A replaced by C.
Protein change: p.Lys786Thr; replaces lysine 786 with threonine.
Molecular consequence: missense variant.
Genome position (GRCh38, 1-based): chr4:113,292,495, A>C. VCF-style: chr4-113292495-A-C. GRCh37 (hg19) VCF-style: chr4-114213651-A-C.
Other names: c.2294A>C, p.Lys765Thr (NM_001127493.3, NM_001354239.2, NM_001354243.2 and 10 more transcripts); c.2357A>C, p.Lys786Thr (NM_001354225.2, NM_001354228.2, NM_001354232.2 and 6 more transcripts); c.2402A>C, p.Lys801Thr (NM_001354230.2, NM_001354231.2, NM_001354237.2 and 5 more transcripts); c.2258A>C, p.Lys753Thr (NM_001354245.2, NM_001354268.2); c.2270A>C, p.Lys757Thr (NM_001354249.2, NM_001354264.2, NM_001354266.2 and 10 more transcripts); c.2195A>C, p.Lys732Thr (NM_001354253.2, NM_001354257.2, NM_001354270.2 and 1 more transcripts); c.2171A>C, p.Lys724Thr (NM_001354260.2, NM_001354271.2, NM_001386151.1); c.2315A>C, p.Lys772Thr (NM_001354261.2, NM_001386147.1, NM_001386160.1); and 8 more; short protein forms K658T, K691T, K716T, K720T, K724T, K732T, K753T, K757T.
Identifiers: ClinVar variation 3391795 (VCV003391795.1).